The following is an entry in ClinVar:

NM_001711.6(BGN):c.742G>A (p.Asp248Asn)

Gene: BGN (biglycan; plus strand). Cytogenetic location: Xq28.
Variant type: single nucleotide variant.
Coding change: c.742G>A on transcript NM_001711.6 (MANE Select); coding-DNA position 742, G replaced by A.
Protein change: p.Asp248Asn; replaces aspartic acid 248 with asparagine.
Molecular consequence: missense variant.
Genome position (GRCh38, 1-based): chrX:153,506,895, G>A. VCF-style: chrX-153506895-G-A. GRCh37 (hg19) VCF-style: chrX-152772353-G-A.
Other names: short protein forms D248N.
Identifiers: ClinVar variation 1390198 (VCV001390198.6), dbSNP rs1556993318, ClinGen allele CA415071229.

ClinVar aggregate classification (germline): Uncertain significance (1 of 4 stars; one submission).

Submission:

Labcorp Genetics (formerly Invitae), Labcorp
Classification: Uncertain significance. Last evaluated: 2022-09-06. Review status: criteria provided, single submitter. Criteria: Invitae Variant Classification Sherloc (09022015). Collection method: clinical testing. Allele origin: germline.
Comment: This sequence change replaces aspartic acid, which is acidic and polar, with asparagine, which is neutral and polar, at codon 248 of the BGN protein (p.Asp248Asn). This variant is not present in population databases (gnomAD no frequency). This variant has not been reported in the literature in individuals affected with BGN-related conditions. ClinVar contains an entry for this variant (Variation ID: 1390198). Algorithms developed to predict the effect of missense changes on protein structure and function are either unavailable or do not agree on the potential impact of this missense change (SIFT: "Not Available"; PolyPhen-2: "Probably Damaging"; Align-GVGD: "Not Available"). In summary, the available evidence is currently insufficient to determine the role of this variant in disease. Therefore, it has been classified as a Variant of Uncertain Significance.